The following is an entry in ClinVar:

NM_025074.7(FRAS1):c.9295C>T (p.Arg3099Ter)

Gene: FRAS1 (Fraser extracellular matrix complex subunit 1; plus strand). Cytogenetic location: 4q21.21.
Variant type: single nucleotide variant.
Coding change: c.9295C>T on transcript NM_025074.7 (MANE Select); coding-DNA position 9295, C replaced by T.
Protein change: p.Arg3099Ter; replaces arginine 3099 with a stop codon.
Molecular consequence: nonsense.
Genome position (GRCh38, 1-based): chr4:78,499,900, C>T. VCF-style: chr4-78499900-C-T. GRCh37 (hg19) VCF-style: chr4-79421054-C-T.
Other names: short protein forms R3099*.
Identifiers: ClinVar variation 2824650 (VCV002824650.3), dbSNP rs867312165, ClinGen allele CA99963352.

ClinVar aggregate classification (germline): Pathogenic (1 of 4 stars; one submission).

gnomAD v4.1: 1 of 1,574,662 alleles (0.000064%); highest among the groups gnomAD compares: Non-Finnish European, 0.000087%; no homozygotes.

Submission:

Labcorp Genetics (formerly Invitae), Labcorp
Classification: Pathogenic. Last evaluated: 2022-12-29. Review status: criteria provided, single submitter. Criteria: Invitae Variant Classification Sherloc (09022015). Collection method: clinical testing. Allele origin: germline.
Comment: For these reasons, this variant has been classified as Pathogenic. Algorithms developed to predict the effect of sequence changes on RNA splicing suggest that this variant may create or strengthen a splice site. This variant has not been reported in the literature in individuals affected with FRAS1-related conditions. This variant is not present in population databases (gnomAD no frequency). This sequence change creates a premature translational stop signal (p.Arg3099*) in the FRAS1 gene. It is expected to result in an absent or disrupted protein product. Loss-of-function variants in FRAS1 are known to be pathogenic (PMID: 12766769, 18671281).

Literature cited by the submitters: PubMed 12766769; PubMed 18671281.